The following is an entry in ClinVar:

NM_001458.5(FLNC):c.1343_1350del (p.His448fs)

Gene: FLNC (filamin C; plus strand). Cytogenetic location: 7q32.1.
Variant type: Deletion.
Coding change: c.1343_1350del on transcript NM_001458.5 (MANE Select); coding-DNA positions 1343 to 1350, 8 bases deleted (ATACCGTG; older notation c.1343_1350delATACCGTG).
Protein change: p.His448fs; shifts the reading frame from histidine 448.
Molecular consequence: frameshift variant.
Genome position (GRCh38, 1-based): chr7:128,838,735-128,838,742, ATACCGTG deleted. VCF-style (leftmost placement, unchanged base first): chr7-128838734-CATACCGTG-C. GRCh37 (hg19) VCF-style: chr7-128478788-CATACCGTG-C.
Other names: c.1343_1350del, p.His448fs (NM_001127487.2); short protein forms H448fs.
Identifiers: ClinVar variation 2938892 (VCV002938892.3), dbSNP rs2536622343, ClinGen allele CA2740097541.

ClinVar aggregate classification (germline): Pathogenic (1 of 4 stars; one submission).

Conditions:
Hypertrophic cardiomyopathy 26. Also called: Cardiomyopathy, familial hypertrophic, 26. Identifiers: Orphanet 75249, MedGen C4310749, MONDO:0014883, OMIM 617047.
Myofibrillar myopathy 5. Also called: Filaminopathy (type); FILAMINOPATHY, AUTOSOMAL DOMINANT. Identifiers: Orphanet 171445, MedGen C1836050, MONDO:0012289, OMIM 609524.
Distal myopathy with posterior leg and anterior hand involvement. Also called: WILLIAMS DISTAL MYOPATHY. Identifiers: Orphanet 63273, MedGen C3279722, MONDO:0013550, OMIM 614065.

Submission:

Labcorp Genetics (formerly Invitae), Labcorp
Classification: Pathogenic for Distal myopathy with posterior leg and anterior hand involvement; Myofibrillar myopathy 5; Hypertrophic cardiomyopathy 26. Last evaluated: 2025-05-01. Review status: criteria provided, single submitter. Criteria: Invitae Variant Classification Sherloc (09022015). Collection method: clinical testing. Allele origin: germline.
Comment: This sequence change creates a premature translational stop signal (p.His448Profs*23) in the FLNC gene. It is expected to result in an absent or disrupted protein product. Loss-of-function variants in FLNC are known to be pathogenic (PMID: 27908349). This variant is not present in population databases (gnomAD no frequency). This variant has not been reported in the literature in individuals affected with FLNC-related conditions. ClinVar contains an entry for this variant (Variation ID: 2938892). For these reasons, this variant has been classified as Pathogenic.

Literature cited by the submitters: PubMed 27908349.